The following is an entry in ClinVar:

NM_000489.6(ATRX):c.3994A>C (p.Lys1332Gln)

Gene: ATRX (ATRX chromatin remodeler; minus strand). Cytogenetic location: Xq21.1.
Variant type: single nucleotide variant.
Coding change: c.3994A>C on transcript NM_000489.6 (MANE Select); coding-DNA position 3994, A replaced by C.
Protein change: p.Lys1332Gln; replaces lysine 1332 with glutamine.
Molecular consequence: missense variant.
Genome position (GRCh38, 1-based): chrX:77,663,508, T>G on the plus strand (A>C on the coding strand, the complement: ATRX is on the minus strand). VCF-style: chrX-77663508-T-G. GRCh37 (hg19) VCF-style: chrX-76918997-T-G.
Other names: c.3880A>C, p.Lys1294Gln (NM_138270.5); short protein forms K1332Q, K1294Q.
Identifiers: ClinVar variation 2742343 (VCV002742343.3), dbSNP rs1603141251, ClinGen allele CA413699686.

ClinVar aggregate classification (germline): Uncertain significance (1 of 4 stars; one submission).

Conditions:
Alpha thalassemia-X-linked intellectual disability syndrome (ATRX). Also called: ALPHA-THALASSEMIA/MENTAL RETARDATION SYNDROME, X-LINKED; ATR, NONDELETION TYPE; ATR-X syndrome; Alpha thalassemia mental retardation syndrome, nondeletion type, X-linked; XLMR hypotonic face syndrome; X-linked alpha-thalassemia-mental retardation syndrome. Identifiers: Orphanet 847, MedGen C1845055, MONDO:0010519, OMIM 301040.

Submission:

Labcorp Genetics (formerly Invitae), Labcorp
Classification: Uncertain significance for Alpha thalassemia-X-linked intellectual disability syndrome. Last evaluated: 2023-07-12. Review status: criteria provided, single submitter. Criteria: Invitae Variant Classification Sherloc (09022015). Collection method: clinical testing. Allele origin: germline.
Comment: In summary, the available evidence is currently insufficient to determine the role of this variant in disease. Therefore, it has been classified as a Variant of Uncertain Significance. Advanced modeling of protein sequence and biophysical properties (such as structural, functional, and spatial information, amino acid conservation, physicochemical variation, residue mobility, and thermodynamic stability) performed at Invitae indicates that this missense variant is not expected to disrupt ATRX protein function. This variant has not been reported in the literature in individuals affected with ATRX-related conditions. This variant is not present in population databases (gnomAD no frequency). This sequence change replaces lysine, which is basic and polar, with glutamine, which is neutral and polar, at codon 1332 of the ATRX protein (p.Lys1332Gln).